The following is an entry in ClinVar:

NM_007259.5(VPS45):c.220C>T (p.Pro74Ser)

Gene: VPS45 (vacuolar protein sorting 45 homolog; plus strand). Cytogenetic location: 1q21.2.
Variant type: single nucleotide variant.
Coding change: c.220C>T on transcript NM_007259.5 (MANE Select); coding-DNA position 220, C replaced by T.
Protein change: p.Pro74Ser; replaces proline 74 with serine.
Molecular consequence: missense variant. On other transcripts: non-coding transcript variant (1).
Genome position (GRCh38, 1-based): chr1:150,068,756, C>T. VCF-style: chr1-150068756-C-T. GRCh37 (hg19) VCF-style: chr1-150040813-C-T.
Other names: c.112C>T, p.Pro38Ser (NM_001279353.2, NM_001279354.2); short protein forms P74S, P38S.
Identifiers: ClinVar variation 1346302 (VCV001346302.5), dbSNP rs1374559604, ClinGen allele CA342258956.

ClinVar aggregate classification (germline): Uncertain significance (1 of 4 stars; one submission).

Conditions:
Congenital neutropenia-myelofibrosis-nephromegaly syndrome. Also called: Severe congenital neutropenia 5, autosomal recessive. Identifiers: Orphanet 369852, MedGen C3809031, MONDO:0014118, OMIM 615285.

Allele frequency attached by ClinVar (database versions not stated): gnomAD exomes below 0.00001; TOPMed below 0.00001.
gnomAD v4.1: 3 of 1,610,546 alleles (0.00019%); highest among the groups gnomAD compares: Non-Finnish European, 0.00017%; no homozygotes.

Submission:

Labcorp Genetics (formerly Invitae), Labcorp
Classification: Uncertain significance for Congenital neutropenia-myelofibrosis-nephromegaly syndrome. Last evaluated: 2022-09-01. Review status: criteria provided, single submitter. Criteria: Invitae Variant Classification Sherloc (09022015). Collection method: clinical testing. Allele origin: germline.
Comment: This sequence change replaces proline, which is neutral and non-polar, with serine, which is neutral and polar, at codon 74 of the VPS45 protein (p.Pro74Ser). This variant is present in population databases (no rsID available, gnomAD 0.0009%). This variant has not been reported in the literature in individuals affected with VPS45-related conditions. ClinVar contains an entry for this variant (Variation ID: 1346302). Algorithms developed to predict the effect of missense changes on protein structure and function are either unavailable or do not agree on the potential impact of this missense change (SIFT: "Deleterious"; PolyPhen-2: "Probably Damaging"; Align-GVGD: "Class C0"). In summary, the available evidence is currently insufficient to determine the role of this variant in disease. Therefore, it has been classified as a Variant of Uncertain Significance.